The following is an entry in ClinVar:

NM_000540.3(RYR1):c.13996A>G (p.Lys4666Glu)

Gene: RYR1 (ryanodine receptor 1; plus strand). Cytogenetic location: 19q13.2.
Variant type: single nucleotide variant.
Coding change: c.13996A>G on transcript NM_000540.3 (MANE Select); coding-DNA position 13996, A replaced by G.
Protein change: p.Lys4666Glu; replaces lysine 4666 with glutamic acid.
Molecular consequence: missense variant.
Genome position (GRCh38, 1-based): chr19:38,572,268, A>G. VCF-style: chr19-38572268-A-G. GRCh37 (hg19) VCF-style: chr19-39062908-A-G.
Other names: c.13981A>G, p.Lys4661Glu (NM_001042723.2); short protein forms K4666E, K4661E.
Identifiers: ClinVar variation 2754988 (VCV002754988.3), dbSNP rs2514713580, ClinGen allele CA405681590.
Genomic context (GRCh38, chr19:38,572,268, plus strand): 5'-TGTCTGAGCCTCCTGCATACACTGGTGGCCTTTCTCTGCATCATTGGCTATAATTGTCTC[A>G]AGGTGGGCCCATGGCCATGGTTCTGGGGCAAGGGCTTATTGGCTGGGTGGGGGTGGGGGC-3'
Protein context (NP_000531.2, residues 4656-4676): FLCIIGYNCL[Lys4666Glu]VPLVIFKREK

ClinVar aggregate classification (germline): Uncertain significance (1 of 4 stars; one submission).

Conditions:
RYR1-related disorder. Also called: RYR1-related condition; RYR1-related disorders. Identifiers: MedGen CN239331.

Submission:

Labcorp Genetics (formerly Invitae), Labcorp
Classification: Uncertain significance for RYR1-related disorder. Last evaluated: 2023-08-24. Review status: criteria provided, single submitter. Criteria: Invitae Variant Classification Sherloc (09022015). Collection method: clinical testing. Allele origin: germline.
Comment: An algorithm developed to predict the effect of missense changes on protein structure and function (PolyPhen-2) suggests that this variant is likely to be disruptive. In summary, the available evidence is currently insufficient to determine the role of this variant in disease. Therefore, it has been classified as a Variant of Uncertain Significance. This variant has not been reported in the literature in individuals affected with RYR1-related conditions. This variant is not present in population databases (gnomAD no frequency). This sequence change replaces lysine, which is basic and polar, with glutamic acid, which is acidic and polar, at codon 4666 of the RYR1 protein (p.Lys4666Glu).